The following is an entry in ClinVar:

NM_000064.4(C3):c.4524T>A (p.Asp1508Glu)

Gene: C3 (complement C3; minus strand). Cytogenetic location: 19p13.3.
Variant type: single nucleotide variant.
Coding change: c.4524T>A on transcript NM_000064.4 (MANE Select); coding-DNA position 4524, T replaced by A.
Protein change: p.Asp1508Glu; replaces aspartic acid 1508 with glutamic acid.
Molecular consequence: missense variant.
Genome position (GRCh38, 1-based): chr19:6,679,429, A>T on the plus strand (T>A on the coding strand, the complement: C3 is on the minus strand). VCF-style: chr19-6679429-A-T. GRCh37 (hg19) VCF-style: chr19-6679440-A-T.
Other names: short protein forms D1508E.
Identifiers: ClinVar variation 1700967 (VCV001700967.5), dbSNP rs756653877, ClinGen allele CA403612676.

ClinVar aggregate classification (germline): Uncertain significance. Review status: criteria provided, multiple submitters, no conflicts (2 of 4 stars). 2 submissions from 2 submitters: Uncertain significance (2). Last evaluated 2022-12-03.

Submissions (2):

Labcorp Genetics (formerly Invitae), Labcorp
Classification: Uncertain significance. Last evaluated: 2022-12-03. Review status: criteria provided, single submitter. Criteria: Invitae Variant Classification Sherloc (09022015). Collection method: clinical testing. Allele origin: germline.
Comment: In summary, the available evidence is currently insufficient to determine the role of this variant in disease. Therefore, it has been classified as a Variant of Uncertain Significance. Advanced modeling of protein sequence and biophysical properties (such as structural, functional, and spatial information, amino acid conservation, physicochemical variation, residue mobility, and thermodynamic stability) performed at Invitae indicates that this missense variant is not expected to disrupt C3 protein function. ClinVar contains an entry for this variant (Variation ID: 1700967). This variant has not been reported in the literature in individuals affected with C3-related conditions. This variant is not present in population databases (gnomAD no frequency). This sequence change replaces aspartic acid, which is acidic and polar, with glutamic acid, which is acidic and polar, at codon 1508 of the C3 protein (p.Asp1508Glu).

GeneDx
Classification: Uncertain significance. Last evaluated: 2022-02-11. Review status: criteria provided, single submitter. Criteria: GeneDx Variant Classification Process June 2021. Collection method: clinical testing. Allele origin: germline. Affected: yes.
Comment: Not observed at significant frequency in large population cohorts (gnomAD); In silico analysis supports that this missense variant does not alter protein structure/function; Has not been previously published as pathogenic or benign to our knowledge